The following is an entry in ClinVar:

ClinVar aggregate classification (germline): Uncertain significance (1 of 4 stars; one submission).

gnomAD v4.1: 1 of 1,609,914 alleles (0.000062%); highest among the groups gnomAD compares: East Asian, 0.0022%; no homozygotes.

Submission:

CeGaT Center for Human Genetics Tuebingen
Classification: Uncertain significance. Last evaluated: 2025-03-01. Review status: criteria provided, single submitter. Criteria: CeGaT Center For Human Genetics Tuebingen Variant Classification Criteria Version 2. Collection method: clinical testing. Allele origin: germline. Affected: yes. Observed: 1 variant allele.
Comment: TTN: PM2:Supporting, BP4

NM_001267550.2(TTN):c.56109C>T (p.Asn18703=)

Genes: TTN (titin; minus strand), TTN-AS1 (TTN antisense RNA 1; plus strand). Cytogenetic location: 2q31.2.
Variant type: single nucleotide variant.
Coding change: c.56109C>T on transcript NM_001267550.2 (MANE Select); coding-DNA position 56109, C replaced by T.
Protein change: p.Asn18703=; no amino-acid change (asparagine 18703 retained).
Molecular consequence: synonymous variant.
Genome position (GRCh38, 1-based): chr2:178,599,792, G>A on the plus strand (C>T on the coding strand, the complement: TTN is on the minus strand). VCF-style: chr2-178599792-G-A. GRCh37 (hg19) VCF-style: chr2-179464519-G-A.
Other names: c.48405C>T, p.Asn16135= (NM_133378.4); c.29289C>T, p.Asn9763= (NM_133432.3); c.29490C>T, p.Asn9830= (NM_133437.4); c.51186C>T, p.Asn17062= (NM_001256850.1); c.28914C>T, p.Asn9638= (NM_003319.4).
Identifiers: ClinVar variation 3778276 (VCV003778276.7).